The following is an entry in ClinVar:

NM_005068.3(SIM1):c.2297G>T (p.Ser766Ile)

Gene: SIM1 (SIM bHLH transcription factor 1; minus strand). Cytogenetic location: 6q16.3.
Variant type: single nucleotide variant.
Coding change: c.2297G>T on transcript NM_005068.3 (MANE Select); coding-DNA position 2297, G replaced by T.
Protein change: p.Ser766Ile; replaces serine 766 with isoleucine.
Molecular consequence: missense variant.
Genome position (GRCh38, 1-based): chr6:100,390,365, C>A on the plus strand (G>T on the coding strand, the complement: SIM1 is on the minus strand). VCF-style: chr6-100390365-C-A. GRCh37 (hg19) VCF-style: chr6-100838241-C-A.
Other names: c.2297G>T, p.Ser766Ile (NM_001374769.1); short protein forms S766I.
Identifiers: ClinVar variation 930313 (VCV000930313.3), dbSNP rs1185696205, ClinGen allele CA365297240.

ClinVar aggregate classification (germline): Uncertain significance (1 of 4 stars; one submission).

Submission:

Centre for Mendelian Genomics, University Medical Centre Ljubljana
Classification: Uncertain significance. Last evaluated: 2018-11-30. Review status: criteria provided, single submitter. Criteria: ACMG Guidelines, 2015. Collection method: clinical testing. Allele origin: unknown. Affected: yes.
Comment: This variant was classified as: Uncertain significance. The available evidence on this variant's pathogenicity is insufficient or conflicting. The following ACMG criteria were applied in classifying this variant: PM2.